The following is an entry in ClinVar:

NM_007363.5(NONO):c.298_307del (p.Ala100fs)

Gene: NONO (non-POU domain containing octamer binding; plus strand). Cytogenetic location: Xq13.1.
Variant type: Deletion.
Coding change: c.298_307del on transcript NM_007363.5 (MANE Select); coding-DNA positions 298 to 307, 10 bases deleted (GCAGGCGAAG; older notation c.298_307delGCAGGCGAAG).
Protein change: p.Ala100fs; shifts the reading frame from alanine 100.
Molecular consequence: frameshift variant.
Genome position (GRCh38, 1-based): chrX:71,291,922-71,291,931, GCAGGCGAAG deleted; deleting any 10 consecutive bases within chrX:71,291,919-71,291,931 gives the same sequence; the c. name uses the placement nearest the transcript's 3' end. VCF-style (leftmost placement, unchanged base first): chrX-71291918-AAAGGCAGGCG-A. GRCh37 (hg19) VCF-style: chrX-70511768-AAAGGCAGGCG-A.
Other names: c.298_307del, p.Ala100fs (NM_001145408.2, NM_001145409.2); c.31_40del, p.Ala11fs (NM_001145410.2); short protein forms A100fs, A11fs.
Identifiers: ClinVar variation 1805981 (VCV001805981.2), dbSNP rs2519886525, ClinGen allele CA2573320545.

ClinVar aggregate classification (germline): Pathogenic (1 of 4 stars; one submission).

Conditions:
Intellectual developmental disorder, X-linked, syndromic 34. Also called: Syndromic X-linked intellectual disability 34; MENTAL RETARDATION, X-LINKED, SYNDROMIC, MIRCSOF-LANGOUET TYPE. Identifiers: Orphanet 466791, MedGen C4225417, MONDO:0010501, OMIM 300967.

Submission:

Victorian Clinical Genetics Services, Murdoch Childrens Research Institute
Classification: Pathogenic for Intellectual developmental disorder, X-linked, syndromic 34. Last evaluated: 2022-09-02. Review status: criteria provided, single submitter. Criteria: ACMG Guidelines, 2015. Collection method: clinical testing. Allele origin: germline. Inheritance: X-linked inheritance. Affected: yes.
Comment: Based on the classification scheme VCGS_Germline_v1.3.4, this variant is classified as Pathogenic. Following criteria are met: 0102 - Loss of function is a known mechanism of disease in this gene and is associated with X-linked syndromic intellectual developmental disorder 34 (MIM#300967). (I) 0110 - This gene is associated with X-linked disease. (I) 0201 - Variant is predicted to cause nonsense-mediated decay (NMD) and loss of protein (premature termination codon is located at least 54 nucleotides upstream of the final exon-exon junction). (SP) 0253 - This variant is hemizygous. (I) 0301 - Variant is absent from gnomAD (both v2 and v3). (SP) 0701 - Other NMD-predicted variants comparable to the one identified in this case have very strong previous evidence for pathogenicity (ClinVar). (SP) 0807 - This variant has no previous evidence of pathogenicity. (I) 0905 - No published segregation evidence has been identified for this variant. (I) 1007 - No published functional evidence has been identified for this variant. (I) Legend: (SP) - Supporting pathogenic, (I) - Information, (SB) - Supporting benign